The following is an entry in ClinVar:

NM_017763.6(RNF43):c.477G>C (p.Trp159Cys)

Gene: RNF43 (ring finger protein 43; minus strand). Cytogenetic location: 17q22.
Variant type: single nucleotide variant.
Coding change: c.477G>C on transcript NM_017763.6 (MANE Select); coding-DNA position 477, G replaced by C.
Protein change: p.Trp159Cys; replaces tryptophan 159 with cysteine.
Molecular consequence: missense variant.
Genome position (GRCh38, 1-based): chr17:58,363,380, C>G on the plus strand (G>C on the coding strand, the complement: RNF43 is on the minus strand). VCF-style: chr17-58363380-C-G. GRCh37 (hg19) VCF-style: chr17-56440741-C-G.
Other names: c.477G>C, p.Trp159Cys (NM_001305544.3, NM_001438820.1, NM_001438821.1 and 1 more transcripts); c.96G>C, p.Trp32Cys (NM_001305545.2, NM_001437987.1); short protein forms W159C, W32C.
Identifiers: ClinVar variation 4863433 (VCV004863433.1).
Genomic context (GRCh38, chr17:58,363,380, plus strand): 5'-GTTCTTGTACACAAACTCCATCAGCTTCTCAGCGTCATTACCCCAGATCAACACCACTGG[C>G]CAGGTCAGCCCCAGCGGCTGCTGCAGCTACAGGGGGAAAGTGCCCACAGGGCTGCTGTGA-3'
Protein context (NP_060233.3, residues 149-169): EQLQQPLGLT[Trp159Cys]PVVLIWGNDA

ClinVar aggregate classification (germline): Uncertain significance (1 of 4 stars; one submission).

Submission:

Ambry Genetics
Classification: Uncertain significance. Last evaluated: 2026-06-06. Review status: criteria provided, single submitter. Criteria: Ambry Variant Classification Scheme 2023. Collection method: clinical testing. Allele origin: germline.
Comment: The p.W159C variant (also known as c.477G>C), located in coding exon 4 of the RNF43 gene, results from a G to C substitution at nucleotide position 477. The tryptophan at codon 159 is replaced by cysteine, an amino acid with highly dissimilar properties. This amino acid position is conserved. In addition, this alteration is predicted to be tolerated by in silico analysis. Based on the available evidence, the clinical significance of this variant remains unclear.